The following is an entry in ClinVar:

ClinVar aggregate classification (germline): Likely pathogenic. Review status: criteria provided, multiple submitters, no conflicts (2 of 4 stars). 2 submissions from 2 submitters: Likely pathogenic (2). Last evaluated 2024-09-23.

Conditions:
Combined immunodeficiency due to ORAI1 deficiency. Also called: IMMUNODEFICIENCY 9. Identifiers: Orphanet 169090, Orphanet 317428, MedGen C2748568, MONDO:0013007, OMIM 612782.
Myopathy, tubular aggregate, 2 (TAM2). Identifiers: MedGen C4014557, MONDO:0014383, OMIM 615883.

Allele frequency attached by ClinVar (database versions not stated): gnomAD exomes below 0.00001.

Submissions (2):

GeneDx
Classification: Likely pathogenic. Last evaluated: 2024-09-23. Review status: criteria provided, single submitter. Criteria: GeneDx Variant Classification Process June 2021. Collection method: clinical testing. Allele origin: germline. Affected: yes.
Comment: Not observed at significant frequency in large population cohorts (gnomAD); Nonsense variant predicted to result in protein truncation as the last 34 amino acids are lost; This variant is associated with the following publications: (PMID: 23613525, 26138675, 23447534, 27063589, 32888943)

Labcorp Genetics (formerly Invitae), Labcorp
Classification: Likely pathogenic for Myopathy, tubular aggregate, 2; Combined immunodeficiency due to ORAI1 deficiency. Last evaluated: 2023-10-22. Review status: criteria provided, single submitter. Criteria: Invitae Variant Classification Sherloc (09022015). Collection method: clinical testing. Allele origin: germline.
Comment: This sequence change creates a premature translational stop signal (p.Arg268*) in the ORAI1 gene. While this is not anticipated to result in nonsense mediated decay, it is expected to disrupt the last 34 amino acid(s) of the ORAI1 protein. This variant is not present in population databases (gnomAD no frequency). This premature translational stop signal has been observed in individual(s) with ORAI1 deficiency (PMID: 27063589). This variant is also known as c.808C>T(p.R270X). ClinVar contains an entry for this variant (Variation ID: 2171110). This variant disrupts the STIM1 binding domain of the ORAI1 protein, which regulates calcium influx (PMID: 26138675, 23447534, 23613525). While functional studies have not been performed to directly test the effect of this variant on ORAI1 protein function, this suggests that disruption of this region of the protein is causative of disease. In summary, the currently available evidence indicates that the variant is pathogenic, but additional data are needed to prove that conclusively. Therefore, this variant has been classified as Likely Pathogenic.

Literature cited by the submitters: PubMed 27063589 (cited by Labcorp Genetics (formerly Invitae), Labcorp); PubMed 26138675 (cited by Labcorp Genetics (formerly Invitae), Labcorp); PubMed 23447534 (cited by Labcorp Genetics (formerly Invitae), Labcorp); PubMed 23613525 (cited by Labcorp Genetics (formerly Invitae), Labcorp).

NM_032790.4(ORAI1):c.802C>T (p.Arg268Ter)

Gene: ORAI1 (ORAI calcium release-activated calcium modulator 1; plus strand). Cytogenetic location: 12q24.31.
Variant type: single nucleotide variant.
Coding change: c.802C>T on transcript NM_032790.4 (MANE Select); coding-DNA position 802, C replaced by T.
Protein change: p.Arg268Ter; replaces arginine 268 with a stop codon.
Genome position (GRCh38, 1-based): chr12:121,641,539, C>T. VCF-style: chr12-121641539-C-T. GRCh37 (hg19) VCF-style: chr12-122079445-C-T.
Other names: short protein forms R268*.
Identifiers: ClinVar variation 2171110 (VCV002171110.5), dbSNP rs1555324160, ClinGen allele CA386984564.
Genomic context (GRCh38, chr12:121,641,539, plus strand): 5'-CTGATCTTTATCGTCTTCGCCGTCCACTTCTACCGCTCACTGGTTAGCCATAAGACTGAC[C>T]GACAGTTCCAGGAGCTCAACGAGCTGGCGGAGTTTGCCCGCTTACAGGACCAGCTGGACC-3'